The following is an entry in ClinVar:

NM_001184880.2(PCDH19):c.2796C>T (p.Asn932=)

Gene: PCDH19 (protocadherin 19; minus strand). Cytogenetic location: Xq22.1.
Variant type: single nucleotide variant.
Coding change: c.2796C>T on transcript NM_001184880.2 (MANE Select); coding-DNA position 2796, C replaced by T.
Protein change: p.Asn932=; no amino-acid change (asparagine 932 retained).
Molecular consequence: synonymous variant.
Genome position (GRCh38, 1-based): chrX:100,341,955, G>A on the plus strand (C>T on the coding strand, the complement: PCDH19 is on the minus strand). VCF-style: chrX-100341955-G-A. GRCh37 (hg19) VCF-style: chrX-99596953-G-A.
Other names: p.N885N:AAC>AAT; p.Asn932=; c.2655C>T, p.Asn885= (NM_001105243.2); c.2652C>T, p.Asn884= (NM_020766.3).
Identifiers: ClinVar variation 138601 (VCV000138601.100), dbSNP rs193148631, ClinGen allele CA295141.

ClinVar aggregate classification (germline): Conflicting classifications of pathogenicity. Review status: criteria provided, conflicting classifications (1 of 4 stars). 11 submissions from 11 submitters: Uncertain significance (2); Benign (4); Likely benign (2). 3 of the submissions do not count toward it. Last evaluated 2026-01-28.

Conditions:
PCDH19-related disorder. Also called: PCDH19-related condition.
Inborn genetic diseases. Identifiers: MedGen C0950123, MeSH D030342.
Developmental and epileptic encephalopathy, 9 (DEE9). Also called: JUBERG-HELLMAN SYNDROME; EPILEPSY, FEMALE-RESTRICTED, WITH MENTAL RETARDATION; Early infantile epileptic encephalopathy 9; PCDH19-Related X-Linked Female-Limited Epilepsy with Mental Retardation. Identifiers: Orphanet 101039, Orphanet 2076, MedGen C1848137, MONDO:0010246, OMIM 300088. Disease mechanism: loss of function.

Allele frequency attached by ClinVar (database versions not stated): 1000 Genomes Project 30x 0.00208; gnomAD 0.00228 and 0.00240; TOPMed 0.00241; 1000 Genomes Project 0.00265; ExAC 0.00271; gnomAD exomes 0.00274 and 0.00334; ESP Exome Variant Server 0.00301.
gnomAD v4.1: 3,937 of 1,207,622 alleles (0.33%); highest among the groups gnomAD compares: Middle Eastern, 0.74%; 6 homozygotes.

Submissions (11):

Labcorp Genetics (formerly Invitae), Labcorp
Classification: Benign for Developmental and epileptic encephalopathy, 9. Last evaluated: 2026-01-28. Review status: criteria provided, single submitter. Criteria: Invitae Variant Classification Sherloc (09022015). Collection method: clinical testing. Allele origin: germline.

Mayo Clinic Laboratories, Mayo Clinic
Classification: Benign. Last evaluated: 2025-03-26. Review status: criteria provided, single submitter. Criteria: ACMG Guidelines, 2015. Collection method: clinical testing. Allele origin: germline. Observed: 2 variant alleles.
Comment: BS1, BS2, BP4, BP7

Blueprint Genetics
Classification: Likely benign. Last evaluated: 2024-11-21. Review status: criteria provided, single submitter. Criteria: ACMG Guidelines, 2015. Collection method: clinical testing. Allele origin: germline.

CeGaT Center for Human Genetics Tuebingen
Classification: Uncertain significance. Last evaluated: 2017-02-01. Review status: criteria provided, single submitter. Criteria: CeGaT Center For Human Genetics Tuebingen Variant Classification Criteria Version 2. Collection method: clinical testing. Allele origin: germline. Affected: yes. Observed: 2 variant alleles.

Ambry Genetics
Classification: Likely benign for Inborn genetic diseases. Last evaluated: 2016-06-15. Review status: criteria provided, single submitter. Criteria: Ambry Variant Classification Scheme 2023. Collection method: clinical testing. Allele origin: germline.

Eurofins Ntd Llc (ga)
Classification: Benign. Last evaluated: 2014-11-18. Review status: criteria provided, single submitter. Criteria: EGL Classification Definitions 2015. Collection method: clinical testing. Allele origin: germline. Observed: 2 variant alleles, 2 heterozygotes.

Genetic Services Laboratory, University of Chicago
Classification: Uncertain significance. Last evaluated: 2014-10-31. Review status: criteria provided, single submitter. Criteria: ACMG Guidelines, 2015. Collection method: clinical testing. Allele origin: germline.

GeneDx
Classification: Benign. Last evaluated: 2012-12-19. Review status: criteria provided, single submitter. Criteria: GeneDx Variant Classification (06012015). Collection method: clinical testing. Allele origin: germline. Affected: yes.
Comment: This variant is considered likely benign or benign based on one or more of the following criteria: it is a conservative change, it occurs at a poorly conserved position in the protein, it is predicted to be benign by multiple in silico algorithms, and/or has population frequency not consistent with disease.

PreventionGenetics, part of Exact Sciences
Classification: Likely benign for PCDH19-related condition. Last evaluated: 2019-04-05. Review status: no assertion criteria provided. Collection method: clinical testing. Allele origin: germline. Not counted in ClinVar's aggregate classification.
Comment: This variant is classified as likely benign based on ACMG/AMP sequence variant interpretation guidelines (Richards et al. 2015 PMID: 25741868, with internal and published modifications).

Clinical Genetics DNA and cytogenetics Diagnostics Lab, Erasmus MC, Erasmus Medical Center
Classification: Likely benign. Review status: no assertion criteria provided. Collection method: clinical testing. Allele origin: germline. Affected: yes. Study: VKGL Data-share Consensus. Not counted in ClinVar's aggregate classification.

Diagnostic Laboratory, Department of Genetics, University Medical Center Groningen
Classification: Likely benign for Developmental and epileptic encephalopathy, 9. Review status: no assertion criteria provided. Collection method: clinical testing. Allele origin: germline. Affected: yes. Study: VKGL Data-share Consensus. Not counted in ClinVar's aggregate classification.

Literature cited by the submitters: PubMed 23066759 (cited by Mayo Clinic Laboratories, Mayo Clinic and Ambry Genetics).